The following is an entry in ClinVar:

ClinVar aggregate classification (germline): Uncertain significance (1 of 4 stars; one submission).

Conditions:
Hereditary cancer-predisposing syndrome. Also called: Hereditary Cancer Syndrome; Hereditary neoplastic syndrome; Neoplastic Syndromes, Hereditary; Tumor predisposition. Identifiers: Orphanet 140162, MedGen C0027672, MeSH D009386, MONDO:0015356.

Allele frequency attached by ClinVar (database versions not stated): gnomAD exomes below 0.00001.
gnomAD v4.1: 1 of 1,614,060 alleles (0.000062%); highest among the groups gnomAD compares: Non-Finnish European, 0.000085%; no homozygotes.

Submission:

Ambry Genetics
Classification: Uncertain significance for Hereditary cancer-predisposing syndrome. Last evaluated: 2025-07-10. Review status: criteria provided, single submitter. Criteria: Ambry Variant Classification Scheme 2023. Collection method: clinical testing. Allele origin: germline.
Comment: The p.M48V variant (also known as c.142A>G), located in coding exon 1 of the FANCC gene, results from an A to G substitution at nucleotide position 142. The methionine at codon 48 is replaced by valine, an amino acid with highly similar properties. This amino acid position is not well conserved in available vertebrate species. In addition, this alteration is predicted to be tolerated by in silico analysis. Since supporting evidence is limited at this time, the clinical significance of this alteration remains unclear.

NM_000136.3(FANCC):c.142A>G (p.Met48Val)

Gene: FANCC (FA complementation group C; minus strand). Cytogenetic location: 9q22.32.
Variant type: single nucleotide variant.
Coding change: c.142A>G on transcript NM_000136.3 (MANE Select); coding-DNA position 142, A replaced by G.
Protein change: p.Met48Val; replaces methionine 48 with valine.
Molecular consequence: missense variant.
Genome position (GRCh38, 1-based): chr9:95,249,150, T>C on the plus strand (A>G on the coding strand, the complement: FANCC is on the minus strand). VCF-style: chr9-95249150-T-C. GRCh37 (hg19) VCF-style: chr9-98011432-T-C.
Other names: c.142A>G, p.Met48Val (NM_001243743.2, NM_001243744.2); short protein forms M48V.
Identifiers: ClinVar variation 1772458 (VCV001772458.4), dbSNP rs1831171942, ClinGen allele CA374340241.
Genomic context (GRCh38, chr9:95,249,150, plus strand): 5'-TCAGAAAATAATTTCATTATTCTGGTCCACTACTTACCATCTCTTTCAAGGCTTCATACA[T>C]CTTCCTTAGGAACTCCTGGAACTGAGCCACGTGAAGACAGGTGTCTTGCTGGGTTTCCAA-3'
Protein context (NP_000127.2, residues 38-58): VAQFQEFLRK[Met48Val]YEALKEMDSN